The following is an entry in ClinVar:

NM_015215.4(CAMTA1):c.2614A>G (p.Met872Val)

Gene: CAMTA1 (calmodulin binding transcription activator 1; plus strand). Cytogenetic location: 1p36.23.
Variant type: single nucleotide variant.
Coding change: c.2614A>G on transcript NM_015215.4 (MANE Select); coding-DNA position 2614, A replaced by G.
Protein change: p.Met872Val; replaces methionine 872 with valine.
Molecular consequence: missense variant.
Genome position (GRCh38, 1-based): chr1:7,665,161, A>G. VCF-style: chr1-7665161-A-G. GRCh37 (hg19) VCF-style: chr1-7725221-A-G.
Other names: c.2524A>G, p.Met842Val (NM_001349608.2, NM_001349612.2); c.2614A>G, p.Met872Val (NM_001349609.2, NM_001349610.2, NM_001410737.1); c.2542A>G, p.Met848Val (NM_001410738.1); c.2614A>G (NM_015215.3); short protein forms M842V, M848V, M872V.
Identifiers: ClinVar variation 2445746 (VCV002445746.1), dbSNP rs560370147, ClinGen allele CA566680.

ClinVar aggregate classification (germline): Uncertain significance (1 of 4 stars; one submission).

Allele frequency attached by ClinVar (database versions not stated): TOPMed below 0.00001; ExAC 0.00001; gnomAD 0.00001; gnomAD exomes 0.00001; 1000 Genomes Project 30x 0.00016; 1000 Genomes Project 0.00020.
gnomAD v4.1: 17 of 1,495,768 alleles (0.0011%); highest among the groups gnomAD compares: African/African-American, 0.0014%; no homozygotes.

Submission:

Women's Health and Genetics/Laboratory Corporation of America, LabCorp
Classification: Uncertain significance. Last evaluated: 2023-02-07. Review status: criteria provided, single submitter. Criteria: LabCorp Variant Classification Summary - May 2015. Collection method: clinical testing. Allele origin: germline.
Comment: Variant summary: CAMTA1 c.2614A>G (p.Met872Val) results in a conservative amino acid change in the encoded protein sequence. Three of five in-silico tools predict a benign effect of the variant on protein function. The variant allele was found at a frequency of 6.5e-06 in 152774 control chromosomes (gnomAD). The available data on variant occurrences in the general population are insufficient to allow any conclusion about variant significance. To our knowledge, no occurrence of c.2614A>G in individuals affected with Nonprogressive Cerebellar Atxia With Intellectual Disability and no experimental evidence demonstrating its impact on protein function have been reported. No clinical diagnostic laboratories have submitted clinical-significance assessments for this variant to ClinVar after 2014. Based on the evidence outlined above, the variant was classified as uncertain significance.